The following is an entry in ClinVar:

NM_012463.4(ATP6V0A2):c.522-9G>A

Gene: ATP6V0A2 (ATPase H+ transporting V0 subunit a2; plus strand). Cytogenetic location: 12q24.31.
Variant type: single nucleotide variant.
Coding change: c.522-9G>A on transcript NM_012463.4 (MANE Select); 9 bases into the intron before coding-DNA position 522, G replaced by A.
Molecular consequence: intron variant.
Genome position (GRCh38, 1-based): chr12:123,727,774, G>A. VCF-style: chr12-123727774-G-A. GRCh37 (hg19) VCF-style: chr12-124212321-G-A.
Identifiers: ClinVar variation 284399 (VCV000284399.18), dbSNP rs189175284, ClinGen allele CA6861659.

ClinVar aggregate classification (germline): Conflicting classifications of pathogenicity. Review status: criteria provided, conflicting classifications (1 of 4 stars). 4 submissions from 4 submitters: Uncertain significance (2); Likely benign (1). 1 of the submissions does not count toward it. Last evaluated 2026-01-25.

Conditions:
ATP6V0A2-related disorder. Also called: ATP6V0A2-related condition.
ALG9 congenital disorder of glycosylation (CDG1L). Also called: CONGENITAL DISORDER OF GLYCOSYLATION, TYPE Il; CDG Il; ALG9-CDG. Identifiers: Orphanet 79328, MedGen C2931006, MONDO:0012117, OMIM 608776.
Cutis laxa with osteodystrophy (ARCL2A). Also called: CUTIS LAXA WITH CONGENITAL DISORDER OF GLYCOSYLATION; Autosomal recessive cutis laxa type 2A; Debré-Type Cutis Laxa; CUTIS LAXA, AUTOSOMAL RECESSIVE, TYPE IIA; CUTIS LAXA WITH BONE DYSTROPHY; CUTIS LAXA WITH GROWTH AND DEVELOPMENTAL DELAY. Identifiers: Orphanet 357058, MedGen C0268355, MONDO:0018163, OMIM 219200. Disease mechanism: loss of function.

Allele frequency attached by ClinVar (database versions not stated): gnomAD exomes 0.00003 and 0.00008; ESP Exome Variant Server 0.00008; ExAC 0.00012; gnomAD 0.00033 and 0.00036; TOPMed 0.00043; 1000 Genomes Project 0.00060; 1000 Genomes Project 30x 0.00062.
gnomAD v4.1: 95 of 1,614,018 alleles (0.0059%); highest among the groups gnomAD compares: African/African-American, 0.1%; no homozygotes.

Submissions (4):

Labcorp Genetics (formerly Invitae), Labcorp
Classification: Likely benign for ALG9 congenital disorder of glycosylation. Last evaluated: 2026-01-25. Review status: criteria provided, single submitter. Criteria: Invitae Variant Classification Sherloc (09022015). Collection method: clinical testing. Allele origin: germline.

Illumina Laboratory Services, Illumina
Classification: Uncertain significance for Cutis laxa with osteodystrophy. Last evaluated: 2018-01-13. Review status: criteria provided, single submitter. Criteria: ICSL Variant Classification Criteria 13 December 2019. Collection method: clinical testing. Allele origin: germline.

Eurofins Ntd Llc (ga)
Classification: Uncertain significance. Last evaluated: 2015-10-29. Review status: criteria provided, single submitter. Criteria: EGL Classification Definitions 2015. Collection method: clinical testing. Allele origin: germline. Observed: 1 variant allele, 1 heterozygote.

PreventionGenetics, part of Exact Sciences
Classification: Likely benign for ATP6V0A2-related condition. Last evaluated: 2020-05-19. Review status: no assertion criteria provided. Collection method: clinical testing. Allele origin: germline. Not counted in ClinVar's aggregate classification.
Comment: This variant is classified as likely benign based on ACMG/AMP sequence variant interpretation guidelines (Richards et al. 2015 PMID: 25741868, with internal and published modifications).